The following is an entry in ClinVar:

NM_000368.5(TSC1):c.2932C>G (p.Leu978Val)

Gene: TSC1 (TSC complex subunit 1; minus strand). Cytogenetic location: 9q34.13.
Variant type: single nucleotide variant.
Coding change: c.2932C>G on transcript NM_000368.5 (MANE Select); coding-DNA position 2932, C replaced by G.
Protein change: p.Leu978Val; replaces leucine 978 with valine.
Molecular consequence: missense variant.
Genome position (GRCh38, 1-based): chr9:132,897,227, G>C on the plus strand (C>G on the coding strand, the complement: TSC1 is on the minus strand). VCF-style: chr9-132897227-G-C. GRCh37 (hg19) VCF-style: chr9-135772614-G-C.
Other names: c.2929C>G, p.Leu977Val (NM_001162426.2); c.2779C>G, p.Leu927Val (NM_001162427.2); c.2569C>G, p.Leu857Val (NM_001362177.2); short protein forms L978V, L977V, L857V, L927V.
Identifiers: ClinVar variation 64810 (VCV000064810.26), dbSNP rs397514859, ClinGen allele CA007103.

ClinVar aggregate classification (germline): Conflicting classifications of pathogenicity. Review status: criteria provided, conflicting classifications (1 of 4 stars). 9 submissions from 9 submitters: Uncertain significance (1); Benign (2); Likely benign (5). 1 of the submissions does not count toward it. Last evaluated 2026-01-19.

Conditions:
Tuberous sclerosis syndrome (TSC). Also called: Tuberous Sclerosis Complex; Tuberous sclerosis. Identifiers: Orphanet 805, MedGen C0041341, MONDO:0001734.
Hereditary cancer-predisposing syndrome. Also called: Tumor predisposition; Hereditary Cancer Syndrome; Neoplastic Syndromes, Hereditary; Hereditary neoplastic syndrome. Identifiers: Orphanet 140162, MedGen C0027672, MeSH D009386, MONDO:0015356.
Tuberous sclerosis 1 (TSC1). Identifiers: Orphanet 805, MedGen C1854465, MONDO:0008612, OMIM 191100.

Allele frequency attached by ClinVar (database versions not stated): ExAC 0.00001; gnomAD 0.00001; gnomAD exomes 0.00001; TOPMed 0.00001.
gnomAD v4.1: 6 of 1,614,076 alleles (0.00037%); highest among the groups gnomAD compares: East Asian, 0.013%; no homozygotes.

Submissions (9):

Labcorp Genetics (formerly Invitae), Labcorp
Classification: Likely benign for Tuberous sclerosis 1. Last evaluated: 2026-01-19. Review status: criteria provided, single submitter. Criteria: Invitae Variant Classification Sherloc (09022015). Collection method: clinical testing. Allele origin: germline.

Myriad Genetics, Inc.
Classification: Benign for Tuberous sclerosis 1. Last evaluated: 2024-09-05. Review status: criteria provided, single submitter. Criteria: Myriad Autosomal Dominant, Autosomal Recessive and X-Linked Classification Criteria (2023). Collection method: clinical testing. Allele origin: unknown.
Comment: This variant is considered benign. Homozygosity has been confirmed in one or more individuals. As homozygosity for pathogenic variants in this gene is generally assumed to result in embryonic lethality, this variant is unlikely to be pathogenic. This variant has been observed at a population frequency that is significantly greater than expected given the associated disease prevalence and penetrance.

All of Us Research Program, National Institutes of Health
Classification: Likely benign for Tuberous sclerosis syndrome. Last evaluated: 2023-11-02. Review status: criteria provided, single submitter. Criteria: ACMG Guidelines, 2015. Collection method: clinical testing. Allele origin: germline. Inheritance: Autosomal dominant inheritance. Observed: 1 variant allele, 1 heterozygote.
Comment: This study involves interpretation of variants in research participants for the purpose of population health screening. Participant phenotype was not available at the time of variant classification. Additional details can be found in publication PMID: 35346344, PMCID: PMC8962531

Color Diagnostics, LLC DBA Color Health
Classification: Likely benign for Tuberous sclerosis syndrome. Last evaluated: 2022-08-16. Review status: criteria provided, single submitter. Criteria: ACMG Guidelines, 2015. Collection method: clinical testing. Allele origin: germline.

Genome-Nilou Lab
Classification: Likely benign for Tuberous sclerosis 1. Last evaluated: 2021-11-07. Review status: criteria provided, single submitter. Criteria: ACMG Guidelines, 2015. Collection method: clinical testing. Allele origin: germline. Affected: no.

GeneDx
Classification: Benign. Last evaluated: 2019-02-28. Review status: criteria provided, single submitter. Criteria: GeneDx Variant Classification Process June 2021. Collection method: clinical testing. Allele origin: germline. Affected: yes.
Comment: This variant is associated with the following publications: (PMID: 23514105, 22161988, 24714658)

Ambry Genetics
Classification: Likely benign for Hereditary cancer-predisposing syndrome. Last evaluated: 2018-07-27. Review status: criteria provided, single submitter. Criteria: Ambry Variant Classification Scheme 2023. Collection method: clinical testing. Allele origin: germline.

Eurofins Ntd Llc (ga)
Classification: Uncertain significance. Last evaluated: 2014-08-22. Review status: criteria provided, single submitter. Criteria: EGL Classification Definitions 2015. Collection method: clinical testing. Allele origin: germline. Observed: 1 variant allele, 1 heterozygote.

Tuberous sclerosis database (TSC1)
No classification provided. Condition: TSC. Review status: no classification provided. Criteria: Tuberous Sclerosis Database Assertion Criteria 2015. Collection method: curation. Allele origin: germline. Affected: yes. Not counted in ClinVar's aggregate classification.

Literature cited by the submitters: PubMed 22161988 (cited by Eurofins Ntd Llc (ga)).